The following is an entry in ClinVar:

NM_004082.5(DCTN1):c.2464C>T (p.Gln822Ter)

Gene: DCTN1 (dynactin subunit 1; minus strand). Cytogenetic location: 2p13.1.
Variant type: single nucleotide variant.
Coding change: c.2464C>T on transcript NM_004082.5 (MANE Select); coding-DNA position 2464, C replaced by T.
Protein change: p.Gln822Ter; replaces glutamine 822 with a stop codon.
Molecular consequence: nonsense. On other transcripts: non-coding transcript variant (1).
Genome position (GRCh38, 1-based): chr2:74,366,785, G>A on the plus strand (C>T on the coding strand, the complement: DCTN1 is on the minus strand). VCF-style: chr2-74366785-G-A. GRCh37 (hg19) VCF-style: chr2-74593912-G-A.
Other names: c.2404C>T, p.Gln802Ter (NM_001135040.3); c.2062C>T, p.Gln688Ter (NM_001135041.3, NM_023019.4); c.2353C>T, p.Gln785Ter (NM_001190836.2); c.2443C>T, p.Gln815Ter (NM_001190837.2); c.2413C>T, p.Gln805Ter (NM_001378991.1); c.2395C>T, p.Gln799Ter (NM_001378992.1); short protein forms Q688*, Q785*, Q799*, Q802*, Q805*, Q815*, Q822*.
Identifiers: ClinVar variation 3361246 (VCV003361246.1).
Genomic context (GRCh38, chr2:74,366,785, plus strand): 5'-GCTATACCCTTCATGTTTCTACTCAGTTTCCTTCCCTTCCCCAGTTGCAGCCTTAAACCT[G>A]TGGTCCAAAGGCCAGTGCAGCTGGGATCCCAGGAGCATCTGTCCCTGGCATTCGCCTTCG-3'

ClinVar aggregate classification (germline): Uncertain significance (1 of 4 stars; one submission).

Submission:

GeneDx
Classification: Uncertain significance. Last evaluated: 2023-07-27. Review status: criteria provided, single submitter. Criteria: GeneDx Variant Classification Process June 2021. Collection method: clinical testing. Allele origin: germline. Affected: yes.
Comment: Not observed at significant frequency in large population cohorts (gnomAD); Nonsense variant predicted to result in protein truncation or nonsense mediated decay in a gene or region of a gene for which loss of function is not a well-established mechanism of disease; Has not been previously published as pathogenic or benign to our knowledge